The following is an entry in ClinVar:

ClinVar aggregate classification (germline): Conflicting classifications of pathogenicity. Review status: criteria provided, conflicting classifications (1 of 4 stars). 18 submissions from 18 submitters: Uncertain significance (1); Benign (6); Likely benign (8). 3 of the submissions do not count toward it. Last evaluated 2026-08-01.

Conditions:
Breast and/or ovarian cancer. Identifiers: MedGen CN221562.
Hereditary cancer-predisposing syndrome. Also called: Neoplastic Syndromes, Hereditary; Hereditary Cancer Syndrome; Tumor predisposition; Hereditary neoplastic syndrome. Identifiers: Orphanet 140162, MedGen C0027672, MeSH D009386, MONDO:0015356.
Hereditary breast ovarian cancer syndrome. Also called: Hereditary breast and ovarian cancer syndrome; Breast and ovarian cancer; BRCA1- and BRCA2-Associated Hereditary Breast and Ovarian Cancer; Hereditary breast and ovarian cancer; Hereditary breast and ovarian cancer syndrome (HBOC); Hereditary breast and/or ovarian cancer syndrome. Identifiers: Orphanet 145, MedGen C0677776, MeSH D061325, MONDO:0003582. Disease mechanism: loss of function.
Familial cancer of breast. Also called: hereditary breast carcinoma; BREAST CANCER, FAMILIAL; Hereditary breast cancer. Identifiers: Orphanet 227535, MedGen C0346153, MONDO:0016419, OMIM 114480. Disease mechanism: loss of function.

Allele frequency attached by ClinVar (database versions not stated): gnomAD exomes 0.00010 and 0.00030; ExAC 0.00044; gnomAD 0.00150 and 0.00160; TOPMed 0.00153; ESP Exome Variant Server 0.00185; 1000 Genomes Project 0.00300; 1000 Genomes Project 30x 0.00344.
gnomAD v4.1: 391 of 1,612,724 alleles (0.024%); highest among the groups gnomAD compares: African/African-American, 0.47%; 1 homozygote.

Submissions (18):

CeGaT Center for Human Genetics Tuebingen
Classification: Likely benign. Last evaluated: 2026-08-01. Review status: criteria provided, single submitter. Criteria: CeGaT Center For Human Genetics Tuebingen Variant Classification Criteria Version 2. Collection method: clinical testing. Allele origin: germline. Affected: yes. Observed: 5 variant alleles.
Comment: PALB2: BP1, BP4, BS3:Supporting

Labcorp Genetics (formerly Invitae), Labcorp
Classification: Benign for Familial cancer of breast. Last evaluated: 2026-02-03. Review status: criteria provided, single submitter. Criteria: Invitae Variant Classification Sherloc (09022015). Collection method: clinical testing. Allele origin: germline.

ARUP Laboratories, Molecular Genetics and Genomics, ARUP Laboratories
Classification: Benign. Last evaluated: 2025-05-19. Review status: criteria provided, single submitter. Criteria: ARUP Molecular Germline Variant Investigation Process 2024. Collection method: clinical testing. Allele origin: germline.

Blueprint Genetics
Classification: Likely benign. Last evaluated: 2024-11-13. Review status: criteria provided, single submitter. Criteria: ACMG Guidelines, 2015. Collection method: clinical testing. Allele origin: germline.

Myriad Genetics, Inc.
Classification: Benign for Familial cancer of breast. Last evaluated: 2023-03-31. Review status: criteria provided, single submitter. Criteria: Myriad Autosomal Dominant, Autosomal Recessive and X-Linked Classification Criteria (2023). Collection method: clinical testing. Allele origin: unknown.
Comment: This variant is considered benign. This variant is strongly associated with less severe personal and family histories of cancer, typical for individuals without pathogenic variants in this gene [PMID: 25085752]. This variant has been observed in trans with a known pathogenic variant in one or more individuals lacking clinical features consistent with gene-specific recessive disease.

Quest Diagnostics Nichols Institute San Juan Capistrano
Classification: Benign. Last evaluated: 2022-09-05. Review status: criteria provided, single submitter. Criteria: Quest Diagnostics criteria. Collection method: clinical testing. Allele origin: unknown.

National Health Laboratory Service, Universitas Academic Hospital and University of the Free State
Classification: Likely benign for Hereditary breast ovarian cancer syndrome. Last evaluated: 2022-04-19. Review status: criteria provided, single submitter. Criteria: ACMG Guidelines, 2015. Collection method: clinical testing. Allele origin: germline. Affected: yes. Observed: 3 variant alleles.

Genetic Services Laboratory, University of Chicago
Classification: Likely benign. Last evaluated: 2022-01-04. Review status: criteria provided, single submitter. Criteria: ACMG Guidelines, 2015. Collection method: clinical testing. Allele origin: germline. Affected: no.

Sema4
Classification: Likely benign for Hereditary cancer-predisposing syndrome. Last evaluated: 2021-07-01. Review status: criteria provided, single submitter. Criteria: Sema4 Curation Guidelines. Collection method: curation. Allele origin: germline.

CHEO Genetics Diagnostic Laboratory, Children's Hospital of Eastern Ontario
Classification: Likely benign for Breast and/or ovarian cancer. Last evaluated: 2021-05-26. Review status: criteria provided, single submitter. Criteria: ACMG Guidelines, 2015. Collection method: clinical testing. Allele origin: germline.

GeneDx
Classification: Likely benign. Last evaluated: 2020-09-16. Review status: criteria provided, single submitter. Criteria: GeneDx Variant Classification Process June 2021. Collection method: clinical testing. Allele origin: germline. Affected: yes.
Comment: This variant is associated with the following publications: (PMID: 31757951, 23555315, 28767289, 27878467, 25186627, 25980754, 26283626, 26979391, 21932393, 32659497)

Women's Health and Genetics/Laboratory Corporation of America, LabCorp
Classification: Benign. Last evaluated: 2017-05-22. Review status: criteria provided, single submitter. Criteria: LabCorp Variant Classification Summary - May 2015. Collection method: clinical testing. Allele origin: germline.
Comment: Variant summary: The PALB2 c.400G>A (p.Asp134Asn) variant involves the alteration of a non-conserved nucleotide and 5/5 in silico tools predict a benign outcome. However, these predictions have yet to be functionally assessed. This variant was found in 54/125366 control chromosomes, predominantly observed in the African cohort at a frequency of 0.004997 (52/10406). This frequency is about 32 times the estimated maximal expected allele frequency of a pathogenic PALB2 variant (0.0001563). Therefore, suggesting this is likely a benign polymorphism found primarily in population(s) of African origin. Multiple publications have cited the variant in affected individuals, however, with limited information (ie, lack of co-occurrence and/or cosegregation data). In addition, multiple clinical diagnostic laboratories/reputable databases classified this variant as "likely benign/benign." Taken together, this variant is classified as benign.

Color Diagnostics, LLC DBA Color Health
Classification: Likely benign for Hereditary cancer-predisposing syndrome. Last evaluated: 2015-09-23. Review status: criteria provided, single submitter. Criteria: ACMG Guidelines, 2015. Collection method: clinical testing. Allele origin: germline.

Ambry Genetics
Classification: Benign for Hereditary cancer-predisposing syndrome. Last evaluated: 2015-06-05. Review status: criteria provided, single submitter. Criteria: Ambry Variant Classification Scheme 2023. Collection method: clinical testing. Allele origin: germline.

Cancer Genetics Laboratory, Peter MacCallum Cancer Centre
Classification: Uncertain significance for Familial cancer of breast. Last evaluated: 2015-06-01. Review status: criteria provided, single submitter. Criteria: Thompson et al. (Breast Cancer Res. 2015). Collection method: case-control. Allele origin: germline. Affected: no. Observed: 1 variant allele, 1 heterozygote.

Leiden Open Variation Database
Classification: Likely benign for Familial cancer of breast. Last evaluated: 2019-05-13. Review status: no assertion criteria provided. Collection method: curation. Allele origin: germline. Affected: yes. Not counted in ClinVar's aggregate classification.
Comment: Curators: Marc Tischkowitz, Arleen D. Auerbach. Submitter to LOVD: Marc Tischkowitz.

Counsyl
Classification: Likely benign for Familial cancer of breast. Last evaluated: 2016-10-03. Review status: no assertion criteria provided. Collection method: clinical testing. Allele origin: unknown. Not counted in ClinVar's aggregate classification.

Department of Pathology and Laboratory Medicine, Sinai Health System
Classification: Likely benign. Review status: no assertion criteria provided. Collection method: clinical testing. Allele origin: unknown. Affected: yes. Study: The Canadian Open Genetics Repository (COGR). Not counted in ClinVar's aggregate classification.
Comment: The PALB2 p.Asp134Asn variant was identified in 5 of 8290 proband chromosomes (frequency: 0.0006) from individuals or families with breast cancer or Lynch syndrome and was present in 1 of 4520 control chromosomes (frequency: 0.0003) from healthy individuals (Thompson 2015, Tung 2016, Yadav 2017, Yurgelun 2015, Zheng 2012). The variant was identified in dbSNP (ID: rs139555085) as â€šÃ„ÃºWith other alleleâ€šÃ„Ã¹, ClinVar (classified as benign by Invitae, Ambry Genetics and Integrated Genetics/Laboratory Corporation of America; as likely benign by GeneDx, Counsyl, Quest Diagnostics Nichols Institute San Juan Capistrano and Color; as uncertain significance by Cancer Genetics Laboratory/Peter MacCallum Cancer Centre; and as likely pathogenic by PALB2 database) and LOVD 3.0. The variant was also identified in control databases in 116 of 276502 chromosomes at a frequency of 0.0004 (Genome Aggregation Database Feb 27, 2017), observed in the following populations: African in 110 of 24004 chromosomes (freq: 0.005, increasing the likelihood this could be a low frequency benign variant), Latino in 5 of 34282 chromosomes (freq: 0.0001) and European in 1 of 126534 chromosomes (freq: 0.000008); it was not observed in the Other, Ashkenazi Jewish, East Asian, Finnish, or South Asian populations. The p.Asp134 residue is not conserved in mammals and 5 of 5 computational analyses (PolyPhen-2, SIFT, AlignGVGD, BLOSUM, MutationTaster) do not suggest a high likelihood the Asn variant impacts the protein; however, this information is not predictive enough to rule out pathogenicity. The variant occurs outside of the splicing consensus sequence and 4 of 4 in silico or computational prediction software programs (SpliceSiteFinder, MaxEntScan, NNSPLICE, GeneSplicer) do not predict a difference in splicing. In summary, based on the above information, the clinical significance of this variant cannot be determined with certainty at this time although we would lean towards a more benign role for this variant. This variant is classified as likely benign.

Literature cited by the submitters: PubMed 25085752 (cited by Myriad Genetics, Inc.); PubMed 31757951 (cited by Quest Diagnostics Nichols Institute San Juan Capistrano); PubMed 25980754 (cited by 3 submitters); PubMed 28767289 (cited by Quest Diagnostics Nichols Institute San Juan Capistrano); PubMed 25186627 (cited by 3 submitters); PubMed 26976419 (cited by Quest Diagnostics Nichols Institute San Juan Capistrano); PubMed 27878467 (cited by Quest Diagnostics Nichols Institute San Juan Capistrano and Women's Health and Genetics/Laboratory Corporation of America, LabCorp); PubMed 21932393 (cited by 4 submitters); PubMed 26283626 (cited by Quest Diagnostics Nichols Institute San Juan Capistrano and Counsyl); PubMed 23555315 (cited by Women's Health and Genetics/Laboratory Corporation of America, LabCorp and Counsyl).

NM_024675.4(PALB2):c.400G>A (p.Asp134Asn)

Gene: PALB2 (partner and localizer of BRCA2; minus strand). Cytogenetic location: 16p12.2.
Variant type: single nucleotide variant.
Coding change: c.400G>A on transcript NM_024675.4 (MANE Select); coding-DNA position 400, G replaced by A.
Protein change: p.Asp134Asn; replaces aspartic acid 134 with asparagine.
Molecular consequence: missense variant.
Genome position (GRCh38, 1-based): chr16:23,636,146, C>T on the plus strand (G>A on the coding strand, the complement: PALB2 is on the minus strand). VCF-style: chr16-23636146-C-T. GRCh37 (hg19) VCF-style: chr16-23647467-C-T.
Other names: p.D134N:GAC>AAC; NP_078951.2:p.Asp134Asn; short protein forms D134N.
Identifiers: ClinVar variation 126749 (VCV000126749.76), dbSNP rs139555085, ClinGen allele CA163622.
Genomic context (GRCh38, chr16:23,636,146, plus strand): 5'-TCCTCTTCTGCTGCTTCTTTCTTCTGCTTGGCAGCTTCTGCTTTTGCTCACCACTAGGGT[C>T]ACTGACCCTGTGGGGAAAATGTTCTTGGGTGTCATCTGTTCTTTGTATAGGTAATCCTCC-3'
Protein context (NP_078951.2, residues 124-144): TQEHFPHRVS[Asp134Asn]PSGEQKQKLP